The following is an entry in ClinVar:

ClinVar aggregate classification (germline): Uncertain significance (1 of 4 stars; one submission).

Conditions:
Familial adenomatous polyposis 1 (FAP1). Also called: POLYPOSIS, ADENOMATOUS INTESTINAL; FAMILIAL ADENOMATOUS POLYPOSIS 1, ATTENUATED. Identifiers: MedGen C2713442, MONDO:0021056, OMIM 175100. Disease mechanism: loss of function.

gnomAD v4.1: 4 of 1,614,020 alleles (0.00025%); highest among the groups gnomAD compares: South Asian, 0.0044%; no homozygotes.

Submission:

Labcorp Genetics (formerly Invitae), Labcorp
Classification: Uncertain significance for Familial adenomatous polyposis 1. Last evaluated: 2024-09-04. Review status: criteria provided, single submitter. Criteria: Invitae Variant Classification Sherloc (09022015). Collection method: clinical testing. Allele origin: germline.
Comment: This sequence change replaces glycine, which is neutral and non-polar, with aspartic acid, which is acidic and polar, at codon 2502 of the APC protein (p.Gly2502Asp). This variant is present in population databases (rs767036142, gnomAD 0.006%). This variant has not been reported in the literature in individuals affected with APC-related conditions. Invitae Evidence Modeling of protein sequence and biophysical properties (such as structural, functional, and spatial information, amino acid conservation, physicochemical variation, residue mobility, and thermodynamic stability) indicates that this missense variant is not expected to disrupt APC protein function with a negative predictive value of 95%. In summary, the available evidence is currently insufficient to determine the role of this variant in disease. Therefore, it has been classified as a Variant of Uncertain Significance.

NM_000038.6(APC):c.7505G>A (p.Gly2502Asp)

Gene: APC (APC regulator of Wnt signaling pathway; plus strand). Cytogenetic location: 5q22.2.
Variant type: single nucleotide variant.
Coding change: c.7505G>A on transcript NM_000038.6 (MANE Select); coding-DNA position 7505, G replaced by A.
Protein change: p.Gly2502Asp; replaces glycine 2502 with aspartic acid.
Molecular consequence: missense variant. On other transcripts: non-coding transcript variant (2).
Genome position (GRCh38, 1-based): chr5:112,843,099, G>A. VCF-style: chr5-112843099-G-A. GRCh37 (hg19) VCF-style: chr5-112178796-G-A.
Other names: c.7505G>A, p.Gly2502Asp (NM_001127510.3, NM_001354895.2, NM_001407450.1); c.7451G>A, p.Gly2484Asp (NM_001127511.3); c.7559G>A, p.Gly2520Asp (NM_001354896.2, NM_001407447.1, NM_001407448.1 and 1 more transcripts); c.7535G>A, p.Gly2512Asp (NM_001354897.2); c.7430G>A, p.Gly2477Asp (NM_001354898.2); c.7421G>A, p.Gly2474Asp (NM_001354899.2); c.7382G>A, p.Gly2461Asp (NM_001354900.2); c.7328G>A, p.Gly2443Asp (NM_001354901.2, NM_001407453.1); and 11 more; short protein forms G2411D, G2443D, G2474D, G2477D, G2492D, G2118D, G2219D, G2401D.
Identifiers: ClinVar variation 3682038 (VCV003682038.2).